The following is an entry in ClinVar:

NM_000138.5(FBN1):c.7089CTG[1] (p.Cys2365del)

Gene: FBN1 (fibrillin 1; minus strand). Cytogenetic location: 15q21.1.
Variant type: Microsatellite.
Coding change: c.7089CTG[1] on transcript NM_000138.5 (MANE Select); one copy of the 3-base unit CTG starting at c.7089; the reference has two copies in a row; one copy, 3 bases deleted.
Protein change: p.Cys2365del; deletes cysteine 2365.
Molecular consequence: inframe deletion. On other transcripts: inframe indel (1).
Genome position (GRCh38, 1-based): chr15:48,427,677-48,427,679, CAG deleted on the plus strand (CTG on the coding strand, the reverse complement: FBN1 is on the minus strand); deleting any 3 consecutive bases within chr15:48,427,677-48,427,684 gives the same sequence; the position shown is the placement nearest the transcript's 3' end. VCF-style (leftmost placement, unchanged base first): chr15-48427676-ACAG-A. GRCh37 (hg19) VCF-style: chr15-48719873-ACAG-A.
Other names: c.7087_7089TGC[1], p.Cys2365del (NM_001406716.1); short protein forms C2365del.
Identifiers: ClinVar variation 2031763 (VCV002031763.4), dbSNP rs2505412414, ClinGen allele CA2580613825.

ClinVar aggregate classification (germline): Likely pathogenic (1 of 4 stars; one submission).

Conditions:
Familial thoracic aortic aneurysm and aortic dissection (TAAD). Also called: Thoracic aortic aneurysms and dissections. Identifiers: Orphanet 91387, MedGen C4707243, MONDO:0019625.
Marfan syndrome (MFS). Also called: MARFAN SYNDROME, TYPE I; Marfan syndrome type 1; Marfan's syndrome; Marfan syndrome, classic; FBN1-Related Marfan Syndrome. Identifiers: Orphanet 284963, Orphanet 558, MedGen C0024796, MONDO:0007947, OMIM 154700.

Submission:

Labcorp Genetics (formerly Invitae), Labcorp
Classification: Likely pathogenic for Marfan syndrome; Familial thoracic aortic aneurysm and aortic dissection. Last evaluated: 2022-09-22. Review status: criteria provided, single submitter. Criteria: Invitae Variant Classification Sherloc (09022015). Collection method: clinical testing. Allele origin: germline.
Comment: This variant has been observed in individual(s) with Marfan syndrome (Invitae). Experimental studies and prediction algorithms are not available or were not evaluated, and the functional significance of this variant is currently unknown. This variant affects a cysteine residue in the EGF-like, TGFBP or hybrid motif domains of FBN1. Cysteine residues are believed to be involved in intramolecular disulfide bridges and have been shown to be important for FBN1 protein structure (PMID: 16905551, 19349279). In addition, missense substitutions affecting cysteine residues within these domains are significantly overrepresented among patients with Marfan syndrome (PMID: 16571647, 17701892). In summary, the currently available evidence indicates that the variant is pathogenic, but additional data are needed to prove that conclusively. Therefore, this variant has been classified as Likely Pathogenic. This variant is not present in population databases (gnomAD no frequency). This variant, c.7092_7094del, results in the deletion of 1 amino acid(s) of the FBN1 protein (p.Cys2365del), but otherwise preserves the integrity of the reading frame.

Literature cited by the submitters: PubMed 16905551; PubMed 19349279; PubMed 16571647; PubMed 17701892.